The following is an entry in ClinVar:

NM_001258392.3(CLPB):c.427C>T (p.Arg143Cys)

Gene: CLPB (ClpB family mitochondrial disaggregase; minus strand). Cytogenetic location: 11q13.4.
Variant type: single nucleotide variant.
Coding change: c.427C>T on transcript NM_001258392.3 (MANE Select); coding-DNA position 427, C replaced by T.
Protein change: p.Arg143Cys; replaces arginine 143 with cysteine.
Molecular consequence: missense variant.
Genome position (GRCh38, 1-based): chr11:72,430,340, G>A on the plus strand (C>T on the coding strand, the complement: CLPB is on the minus strand). VCF-style: chr11-72430340-G-A. GRCh37 (hg19) VCF-style: chr11-72141384-G-A.
Other names: c.427C>T, p.Arg143Cys (NM_001258393.3, NM_030813.6); c.185C>T, p.Pro62Leu (NM_001258394.3); short protein forms P62L, R143C.
Identifiers: ClinVar variation 3730721 (VCV003730721.2).

ClinVar aggregate classification (germline): Uncertain significance (1 of 4 stars; one submission).

Conditions:
3-methylglutaconic aciduria, type VIIB (MGCA7B). Also called: 3-methylglutaconic aciduria with cataracts, neurologic involvement and neutropenia; CLPB Deficiency; 3-methylglutaconic aciduria, type VII, with cataracts, neurologic involvement and neutropenia. Identifiers: Orphanet 445038, MedGen C5676893, MONDO:0014561, OMIM 616271.

gnomAD v4.1: 11 of 1,613,100 alleles (0.00068%); highest among the groups gnomAD compares: East Asian, 0.0045%; no homozygotes.

Submission:

Labcorp Genetics (formerly Invitae), Labcorp
Classification: Uncertain significance for 3-methylglutaconic aciduria, type VIIB. Last evaluated: 2024-05-02. Review status: criteria provided, single submitter. Criteria: Invitae Variant Classification Sherloc (09022015). Collection method: clinical testing. Allele origin: germline.
Comment: This sequence change replaces arginine, which is basic and polar, with cysteine, which is neutral and slightly polar, at codon 143 of the CLPB protein (p.Arg143Cys). This variant is present in population databases (rs777497295, gnomAD 0.002%). This variant has not been reported in the literature in individuals affected with CLPB-related conditions. An algorithm developed to predict the effect of missense changes on protein structure and function (PolyPhen-2) suggests that this variant is likely to be disruptive. In summary, the available evidence is currently insufficient to determine the role of this variant in disease. Therefore, it has been classified as a Variant of Uncertain Significance.